The following is an entry in ClinVar:

NM_138691.3(TMC1):c.7C>A (p.Pro3Thr)

Gene: TMC1 (transmembrane channel like 1; plus strand). Cytogenetic location: 9q21.13.
Variant type: single nucleotide variant.
Coding change: c.7C>A on transcript NM_138691.3 (MANE Select); coding-DNA position 7, C replaced by A.
Protein change: p.Pro3Thr; replaces proline 3 with threonine.
Molecular consequence: missense variant.
Genome position (GRCh38, 1-based): chr9:72,648,655, C>A. VCF-style: chr9-72648655-C-A. GRCh37 (hg19) VCF-style: chr9-75263571-C-A.
Other names: short protein forms P3T.
Identifiers: ClinVar variation 179445 (VCV000179445.5), dbSNP rs569626109, ClinGen allele CA184431.

ClinVar aggregate classification (germline): Uncertain significance (1 of 4 stars; one submission).

Allele frequency attached by ClinVar (database versions not stated): gnomAD below 0.00001 and 0.00001; TOPMed below 0.00001; ExAC 0.00006; gnomAD exomes 0.00006.
gnomAD v4.1: 48 of 1,613,084 alleles (0.003%); highest among the groups gnomAD compares: South Asian, 0.052%; 1 homozygote.

Submission:

Laboratory for Molecular Medicine, Mass General Brigham Personalized Medicine
Classification: Uncertain significance. Last evaluated: 2013-12-31. Review status: criteria provided, single submitter. Criteria: LMM Criteria. Collection method: clinical testing. Allele origin: germline. Observed: 1 variant allele.
Comment: The Pro3Thr variant in TMC1 has not been previously reported in the literature o r in large population studies. Computational analyses (biochemical amino acid pr operties, conservation, AlignGVGD, PolyPhen2, and SIFT) do not provide strong su pport for or against an impact to the protein. In summary, additional informatio n is needed to fully assess the clinical significance of the Pro3Thr variant.